The following is an entry in ClinVar:

NM_144672.4(OTOA):c.2066T>G (p.Leu689Arg)

Gene: OTOA (otoancorin). Cytogenetic location: 16p12.2.
Variant type: single nucleotide variant.
Coding change: c.2066T>G on transcript NM_144672.4 (MANE Select); coding-DNA position 2066, T replaced by G.
Protein change: p.Leu689Arg; replaces leucine 689 with arginine.
Molecular consequence: missense variant.
Genome position (GRCh38, 1-based): chr16:21,728,290, T>G. VCF-style: chr16-21728290-T-G. GRCh37 (hg19) VCF-style: chr16-21739611-T-G.
Other names: c.2066T>G (NM_144672.3); c.1829T>G, p.Leu610Arg (NM_001161683.2); c.1094T>G, p.Leu365Arg (NM_170664.3); short protein forms L365R, L689R, L610R.
Identifiers: ClinVar variation 1912287 (VCV001912287.7), dbSNP rs778892020, ClinGen allele CA7952883.

ClinVar aggregate classification (germline): Uncertain significance. Review status: criteria provided, multiple submitters, no conflicts (2 of 4 stars). 2 submissions from 2 submitters: Uncertain significance (2). Last evaluated 2026-09-03.

Allele frequency attached by ClinVar (database versions not stated): gnomAD 0.00001; gnomAD exomes 0.00001; ExAC 0.00002.
gnomAD v4.1: 6 of 1,614,062 alleles (0.00037%); highest among the groups gnomAD compares: Admixed American, 0.005%; no homozygotes.

Submissions (2):

GeneDx
Classification: Uncertain significance. Last evaluated: 2026-09-03. Review status: criteria provided, single submitter. Criteria: GeneDx Variant Classification Process June 2021. Collection method: clinical testing. Allele origin: germline.
Comment: In silico analysis supports that this missense variant has a deleterious effect on protein structure/function; Has not been previously published as pathogenic or benign to our knowledge

Labcorp Genetics (formerly Invitae), Labcorp
Classification: Uncertain significance. Last evaluated: 2024-10-21. Review status: criteria provided, single submitter. Criteria: Invitae Variant Classification Sherloc (09022015). Collection method: clinical testing. Allele origin: germline.
Comment: This sequence change replaces leucine, which is neutral and non-polar, with arginine, which is basic and polar, at codon 689 of the OTOA protein (p.Leu689Arg). This variant is present in population databases (rs778892020, gnomAD 0.009%). This variant has not been reported in the literature in individuals affected with OTOA-related conditions. ClinVar contains an entry for this variant (Variation ID: 1912287). An algorithm developed to predict the effect of missense changes on protein structure and function (PolyPhen-2) suggests that this variant is likely to be disruptive. In summary, the available evidence is currently insufficient to determine the role of this variant in disease. Therefore, it has been classified as a Variant of Uncertain Significance.